The following is an entry in ClinVar:

ClinVar aggregate classification (germline): Uncertain significance (1 of 4 stars; one submission).

Conditions:
Cholestanol storage disease (CTX). Also called: CTX: Cerebrotendinous xanthomatosis; CEREBRAL CHOLESTERINOSIS; Cerebrotendinous Xanthomatosis. Identifiers: Orphanet 909, MedGen C0238052, MONDO:0008948, OMIM 213700.

Submission:

Labcorp Genetics (formerly Invitae), Labcorp
Classification: Uncertain significance for Cholestanol storage disease. Last evaluated: 2021-10-21. Review status: criteria provided, single submitter. Criteria: Invitae Variant Classification Sherloc (09022015). Collection method: clinical testing. Allele origin: germline.
Comment: This sequence change replaces alanine with threonine at codon 160 of the CYP27A1 protein (p.Ala160Thr). The alanine residue is moderately conserved and there is a small physicochemical difference between alanine and threonine. This variant is not present in population databases (ExAC no frequency). This variant has not been reported in the literature in individuals affected with CYP27A1-related conditions. Advanced modeling of protein sequence and biophysical properties (such as structural, functional, and spatial information, amino acid conservation, physicochemical variation, residue mobility, and thermodynamic stability) performed at Invitae indicates that this missense variant is not expected to disrupt CYP27A1 protein function. In summary, the available evidence is currently insufficient to determine the role of this variant in disease. Therefore, it has been classified as a Variant of Uncertain Significance.

NM_000784.4(CYP27A1):c.478G>A (p.Ala160Thr)

Gene: CYP27A1 (cytochrome P450 family 27 subfamily A member 1; plus strand). Cytogenetic location: 2q35.
Variant type: single nucleotide variant.
Coding change: c.478G>A on transcript NM_000784.4 (MANE Select); coding-DNA position 478, G replaced by A.
Protein change: p.Ala160Thr; replaces alanine 160 with threonine.
Molecular consequence: missense variant.
Genome position (GRCh38, 1-based): chr2:218,812,253, G>A. VCF-style: chr2-218812253-G-A. GRCh37 (hg19) VCF-style: chr2-219676976-G-A.
Other names: short protein forms A160T.
Identifiers: ClinVar variation 1423139 (VCV001423139.6), dbSNP rs2105979908, ClinGen allele CA350584841.
Genomic context (GRCh38, chr2:218,812,253, plus strand): 5'-CTTTGTGCTGTTCCTCTGCGTCCCTGCAGGGAAGGACACCACTGGTACCAGCTGCGCCAG[G>A]CTCTGAACCAGCGGTTGCTGAAGCCAGCGGAAGCAGCGCTCTATACGGATGCTTTCAATG-3'
Protein context (NP_000775.1, residues 150-170): EGHHWYQLRQ[Ala160Thr]LNQRLLKPAE